The following is an entry in ClinVar:

ClinVar aggregate classification (germline): Uncertain significance (1 of 4 stars; one submission).

Conditions:
PRICKLE2-related disorder. Also called: PRICKLE2-related condition.

Submission:

3billion
Classification: Uncertain significance for PRICKLE2-related disorder. Last evaluated: 2025-11-10. Review status: criteria provided, single submitter. Criteria: ACMG Guidelines, 2015. Collection method: clinical testing. Allele origin: germline. Affected: yes.
Comment: The variant is not observed in the gnomAD v4.1.0 dataset. Predicted Consequence/Location: Missense variant In silico tool predictions suggest damaging effect of the variant on gene or gene product [REVEL: 0.68 (>=0.6, sensitivity 0.68 and specificity 0.92)]. Therefore, this variant is classified as VUS according to the recommendation of ACMG/AMP guideline.

NM_198859.4(PRICKLE2):c.60T>A (p.Phe20Leu)

Genes: PRICKLE2 (prickle planar cell polarity protein 2; minus strand), PRICKLE2-AS3 (PRICKLE2 antisense RNA 3; plus strand). Cytogenetic location: 3p14.1.
Variant type: single nucleotide variant.
Coding change: c.60T>A on transcript NM_198859.4 (MANE Select); coding-DNA position 60, T replaced by A.
Protein change: p.Phe20Leu; replaces phenylalanine 20 with leucine.
Molecular consequence: missense variant. On other transcripts: non-coding transcript variant (1).
Genome position (GRCh38, 1-based): chr3:64,198,868, A>T on the plus strand (T>A on the coding strand, the complement: PRICKLE2 is on the minus strand). VCF-style: chr3-64198868-A-T. GRCh37 (hg19) VCF-style: chr3-64184544-A-T.
Other names: c.60T>A, p.Phe20Leu (NM_001370528.1); short protein forms F20L.
Identifiers: ClinVar variation 4854189 (VCV004854189.1).
Genomic context (GRCh38, chr3:64,198,868, plus strand): 5'-GACCCAGGCATACTCTTCCAAAGCACAGCCTGAGTCATCATCTGAGGTCGAGTTCCTCTG[A>T]AAGTCAAACATGAGTTTGCTGATGGTCTTCTCCATCTCCAGCGGCATCACTGTCACCATG-3'
Protein context (NP_942559.1, residues 10-30): EKTISKLMFD[Phe20Leu]QRNSTSDDDS